The following is an entry in ClinVar:

NM_000038.6(APC):c.5990G>A (p.Gly1997Glu)

Gene: APC (APC regulator of Wnt signaling pathway; plus strand). Cytogenetic location: 5q22.2.
Variant type: single nucleotide variant.
Coding change: c.5990G>A on transcript NM_000038.6 (MANE Select); coding-DNA position 5990, G replaced by A.
Protein change: p.Gly1997Glu; replaces glycine 1997 with glutamic acid.
Molecular consequence: missense variant.
Genome position (GRCh38, 1-based): chr5:112,841,584, G>A. VCF-style: chr5-112841584-G-A. GRCh37 (hg19) VCF-style: chr5-112177281-G-A.
Other names: c.5990G>A, p.Gly1997Glu (NM_001127510.3, NM_001354895.2); c.5936G>A, p.Gly1979Glu (NM_001127511.3); c.6044G>A, p.Gly2015Glu (NM_001354896.2); c.6020G>A, p.Gly2007Glu (NM_001354897.2); c.5915G>A, p.Gly1972Glu (NM_001354898.2); c.5906G>A, p.Gly1969Glu (NM_001354899.2); c.5867G>A, p.Gly1956Glu (NM_001354900.2); c.5813G>A, p.Gly1938Glu (NM_001354901.2); and 5 more; short protein forms G1979E, G1997E, G1956E, G1972E, G2007E, G1837E, G1896E, G2015E.
Identifiers: ClinVar variation 482438 (VCV000482438.13), dbSNP rs771811726, ClinGen allele CA043644.

ClinVar aggregate classification (germline): Uncertain significance. Review status: criteria provided, multiple submitters, no conflicts (2 of 4 stars). 2 submissions from 2 submitters: Uncertain significance (2). Last evaluated 2020-11-12.

Conditions:
Hereditary cancer-predisposing syndrome. Also called: Neoplastic Syndromes, Hereditary; Tumor predisposition; Hereditary Cancer Syndrome; Hereditary neoplastic syndrome. Identifiers: Orphanet 140162, MedGen C0027672, MeSH D009386, MONDO:0015356.
Familial adenomatous polyposis 1 (FAP1). Also called: FAMILIAL ADENOMATOUS POLYPOSIS 1, ATTENUATED; POLYPOSIS, ADENOMATOUS INTESTINAL. Identifiers: MedGen C2713442, MONDO:0021056, OMIM 175100. Disease mechanism: loss of function.

Allele frequency attached by ClinVar (database versions not stated): gnomAD exomes below 0.00001; ExAC 0.00001.
gnomAD v4.1: 1 of 1,613,830 alleles (0.000062%); highest among the groups gnomAD compares: South Asian, 0.0011%; no homozygotes.

Submissions (2):

Labcorp Genetics (formerly Invitae), Labcorp
Classification: Uncertain significance for Familial adenomatous polyposis 1. Last evaluated: 2020-11-12. Review status: criteria provided, single submitter. Criteria: Invitae Variant Classification Sherloc (09022015). Collection method: clinical testing. Allele origin: germline.
Comment: This variant has not been reported in the literature in individuals with APC-related conditions. ClinVar contains an entry for this variant (Variation ID: 482438). This variant is present in population databases (rs771811726, ExAC 0.006%). This sequence change replaces glycine with glutamic acid at codon 1997 of the APC protein (p.Gly1997Glu). The glycine residue is moderately conserved and there is a moderate physicochemical difference between glycine and glutamic acid. In summary, the available evidence is currently insufficient to determine the role of this variant in disease. Therefore, it has been classified as a Variant of Uncertain Significance. Algorithms developed to predict the effect of missense changes on protein structure and function (SIFT, PolyPhen-2, Align-GVGD) all suggest that this variant is likely to be tolerated, but these predictions have not been confirmed by published functional studies and their clinical significance is uncertain.

Ambry Genetics
Classification: Uncertain significance for Hereditary cancer-predisposing syndrome. Last evaluated: 2017-01-25. Review status: criteria provided, single submitter. Criteria: Ambry Variant Classification Scheme 2023. Collection method: clinical testing. Allele origin: germline.
Comment: The p.G1997E variant (also known as c.5990G>A), located in coding exon 15 of the APC gene, results from a G to A substitution at nucleotide position 5990. The glycine at codon 1997 is replaced by glutamic acid, an amino acid with similar properties. This amino acid position is not well conserved in available vertebrate species. In addition, in silico predictors for this gene do not accurately predict pathogenicity. Since supporting evidence is limited at this time, the clinical significance of this alteration remains unclear.